The following is an entry in ClinVar:

NM_002133.3(HMOX1):c.211A>T (p.Ser71Cys)

Gene: HMOX1 (heme oxygenase 1; plus strand). Cytogenetic location: 22q12.3.
Variant type: single nucleotide variant.
Coding change: c.211A>T on transcript NM_002133.3 (MANE Select); coding-DNA position 211, A replaced by T.
Protein change: p.Ser71Cys; replaces serine 71 with cysteine.
Molecular consequence: missense variant.
Genome position (GRCh38, 1-based): chr22:35,386,751, A>T. VCF-style: chr22-35386751-A-T. GRCh37 (hg19) VCF-style: chr22-35782744-A-T.
Other names: short protein forms S71C.
Identifiers: ClinVar variation 3728228 (VCV003728228.2).

ClinVar aggregate classification (germline): Uncertain significance (1 of 4 stars; one submission).

Submission:

Labcorp Genetics (formerly Invitae), Labcorp
Classification: Uncertain significance. Last evaluated: 2025-01-17. Review status: criteria provided, single submitter. Criteria: Invitae Variant Classification Sherloc (09022015). Collection method: clinical testing. Allele origin: germline.
Comment: This sequence change replaces serine, which is neutral and polar, with cysteine, which is neutral and slightly polar, at codon 71 of the HMOX1 protein (p.Ser71Cys). This variant is not present in population databases (gnomAD no frequency). This variant has not been reported in the literature in individuals affected with HMOX1-related conditions. An algorithm developed to predict the effect of missense changes on protein structure and function (PolyPhen-2) suggests that this variant is likely to be disruptive. In summary, the available evidence is currently insufficient to determine the role of this variant in disease. Therefore, it has been classified as a Variant of Uncertain Significance.